The following is an entry in ClinVar:

ClinVar aggregate classification (germline): Pathogenic (1 of 4 stars; one submission).

Conditions:
Retinitis pigmentosa 12 (RP12). Also called: RP WITH OR WITHOUT PRESERVED PARAARTERIOLE RETINAL PIGMENT EPITHELIUM; RETINITIS PIGMENTOSA WITH OR WITHOUT PARAARTERIOLAR PRESERVATION OF RETINAL PIGMENT EPITHELIUM; RP WITH OR WITHOUT PPRPE. Identifiers: Orphanet 791, MedGen C1838647, MONDO:0010818, OMIM 600105.
Leber congenital amaurosis 8 (LCA8). Identifiers: Orphanet 65, MedGen C3151202, MONDO:0013453, OMIM 613835.

Submission:

Labcorp Genetics (formerly Invitae), Labcorp
Classification: Pathogenic for Leber congenital amaurosis 8; Retinitis pigmentosa 12. Last evaluated: 2024-02-29. Review status: criteria provided, single submitter. Criteria: Invitae Variant Classification Sherloc (09022015). Collection method: clinical testing. Allele origin: germline.
Comment: This sequence change creates a premature translational stop signal (p.His1221Profs*10) in the CRB1 gene. It is expected to result in an absent or disrupted protein product. Loss-of-function variants in CRB1 are known to be pathogenic (PMID: 10508521, 22065545, 23379534, 25412400, 26957898, 28041643, 29391521). This variant is present in population databases (no rsID available, gnomAD 0.006%). This variant has not been reported in the literature in individuals affected with CRB1-related conditions. For these reasons, this variant has been classified as Pathogenic.

Literature cited by the submitters: PubMed 10508521; PubMed 22065545; PubMed 23379534; PubMed 25412400; PubMed 26957898; PubMed 28041643; PubMed 29391521.

NM_201253.3(CRB1):c.3658_3659del (p.His1221fs)

Gene: CRB1 (crumbs cell polarity complex component 1; plus strand). Cytogenetic location: 1q31.3.
Variant type: Microsatellite.
Coding change: c.3658_3659del on transcript NM_201253.3 (MANE Select); coding-DNA positions 3658 to 3659, 2 bases deleted (AG; older notation c.3658_3659delAG).
Protein change: p.His1221fs; shifts the reading frame from histidine 1221.
Molecular consequence: frameshift variant. On other transcripts: non-coding transcript variant (2), intron variant (1).
Genome position (GRCh38, 1-based): chr1:197,435,521-197,435,522, AG deleted; deleting any 2 consecutive bases within chr1:197,435,519-197,435,522 gives the same sequence; the c. name uses the placement nearest the transcript's 3' end. VCF-style (leftmost placement, unchanged base first): chr1-197435518-CAG-C. GRCh37 (hg19) VCF-style: chr1-197404648-CAG-C.
Other names: c.3322_3323del, p.His1109fs (NM_001193640.2); c.3586_3587del, p.His1197fs (NM_001257965.2); c.2129-79_2129-78del (NM_001257966.2); short protein forms H1109fs, H1197fs, H1221fs.
Identifiers: ClinVar variation 3754939 (VCV003754939.2).